The following is an entry in ClinVar:

NM_002230.4(JUP):c.256C>T (p.Arg86Trp)

Gene: JUP (junction plakoglobin; minus strand). Cytogenetic location: 17q21.2.
Variant type: single nucleotide variant.
Coding change: c.256C>T on transcript NM_002230.4 (MANE Select); coding-DNA position 256, C replaced by T.
Protein change: p.Arg86Trp; replaces arginine 86 with tryptophan.
Molecular consequence: missense variant.
Genome position (GRCh38, 1-based): chr17:41,769,630, G>A on the plus strand (C>T on the coding strand, the complement: JUP is on the minus strand). VCF-style: chr17-41769630-G-A. GRCh37 (hg19) VCF-style: chr17-39925882-G-A.
Other names: c.256C>T, p.Arg86Trp (NM_001352773.2, NM_001352774.2, NM_001352775.2 and 3 more transcripts); short protein forms R86W.
Identifiers: ClinVar variation 934561 (VCV000934561.14), dbSNP rs782240305, ClinGen allele CA8565536.

ClinVar aggregate classification (germline): Uncertain significance. Review status: criteria provided, multiple submitters, no conflicts (2 of 4 stars). 5 submissions from 5 submitters: Uncertain significance (5). Last evaluated 2026-02-02.

Conditions:
Cardiovascular phenotype. Identifiers: MedGen CN230736.
Naxos disease (NXD). Also called: PALMOPLANTAR KERATODERMA WITH ARRHYTHMOGENIC RIGHT VENTRICULAR CARDIOMYOPATHY AND WOOLLY HAIR; WOOLLY HAIR, PALMOPLANTAR KERATODERMA, AND CARDIAC ABNORMALITIES; KERATOSIS PALMOPLANTARIS WITH ARRHYTHMOGENIC CARDIOMYOPATHY; MAL DE NAXOS; CARDIOMYOPATHY, ARRHYTHMOGENIC RIGHT VENTRICULAR, WITH SKIN, HAIR, AND NAIL ABNORMALITIES. Identifiers: Orphanet 34217, MedGen C1832600, MONDO:0011017, OMIM 601214.
Arrhythmogenic right ventricular dysplasia 12. Also called: ARRHYTHMOGENIC RIGHT VENTRICULAR DYSPLASIA, FAMILIAL, 12. Identifiers: MedGen C1969081, MONDO:0012684, OMIM 611528.

Allele frequency attached by ClinVar (database versions not stated): ExAC 0.00001; gnomAD exomes 0.00001.

Submissions (5):

Labcorp Genetics (formerly Invitae), Labcorp
Classification: Uncertain significance for Arrhythmogenic right ventricular dysplasia 12; Naxos disease. Last evaluated: 2026-02-02. Review status: criteria provided, single submitter. Criteria: Invitae Variant Classification Sherloc (09022015). Collection method: clinical testing. Allele origin: germline.
Comment: This sequence change replaces arginine, which is basic and polar, with tryptophan, which is neutral and slightly polar, at codon 86 of the JUP protein (p.Arg86Trp). The frequency data for this variant in the population databases is considered unreliable, as metrics indicate poor data quality at this position in the gnomAD database. This variant has not been reported in the literature in individuals affected with JUP-related conditions. ClinVar contains an entry for this variant (Variation ID: 934561). An algorithm developed to predict the effect of missense changes on protein structure and function (PolyPhen-2) suggests that this variant is likely to be disruptive. In summary, the available evidence is currently insufficient to determine the role of this variant in disease. Therefore, it has been classified as a Variant of Uncertain Significance.

ARUP Laboratories, Molecular Genetics and Genomics, ARUP Laboratories
Classification: Uncertain significance. Last evaluated: 2024-04-23. Review status: criteria provided, single submitter. Criteria: ARUP Molecular Germline Variant Investigation Process 2024. Collection method: clinical testing. Allele origin: germline.
Comment: The JUP c.256C>T; p.Arg86Trp variant (rs782240305), to our knowledge, is not reported in the medical literature but is reported in ClinVar (Variation ID: 934561). This variant is found in the non-Finnish European population with an allele frequency of 0.002% (2/105,310 alleles) in the Genome Aggregation Database (v2.1.1). Computational analyses are uncertain whether this variant is neutral or deleterious (REVEL: 0.522). Due to limited information, the clinical significance of this variant is uncertain at this time.

Blueprint Genetics
Classification: Uncertain significance. Last evaluated: 2023-12-05. Review status: criteria provided, single submitter. Criteria: ACMG Guidelines, 2015. Collection method: clinical testing. Allele origin: germline.

Ambry Genetics
Classification: Uncertain significance for Cardiovascular phenotype. Last evaluated: 2022-10-02. Review status: criteria provided, single submitter. Criteria: Ambry Variant Classification Scheme 2023. Collection method: clinical testing. Allele origin: germline.
Comment: The p.R86W variant (also known as c.256C>T), located in coding exon 2 of the JUP gene, results from a C to T substitution at nucleotide position 256. The arginine at codon 86 is replaced by tryptophan, an amino acid with dissimilar properties. This amino acid position is conserved. In addition, this alteration is predicted to be deleterious by in silico analysis. Since supporting evidence is limited at this time, the clinical significance of this alteration remains unclear.

Fulgent Genetics
Classification: Uncertain significance for Naxos disease; Arrhythmogenic right ventricular dysplasia 12. Last evaluated: 2021-11-17. Review status: criteria provided, single submitter. Criteria: ACMG Guidelines, 2015. Collection method: clinical testing. Allele origin: unknown.